The following is an entry in ClinVar:

ClinVar aggregate classification (germline): Pathogenic/Likely pathogenic. Review status: criteria provided, multiple submitters, no conflicts (2 of 4 stars). 3 submissions from 3 submitters: Pathogenic (2); Likely pathogenic (1). Last evaluated 2022-09-29.

Conditions:
VPS13B-related disorder. Also called: VPS13B-related condition.
Cohen syndrome (COH1). Also called: PEPPER SYNDROME; Cutis verticis gyrata, retinitis pigmentosa, and sensorineural deafness. Identifiers: Orphanet 193, MedGen C0265223, MONDO:0008999, OMIM 216550.

Submissions (3):

Labcorp Genetics (formerly Invitae), Labcorp
Classification: Pathogenic for Cohen syndrome. Last evaluated: 2022-09-29. Review status: criteria provided, single submitter. Criteria: Invitae Variant Classification Sherloc (09022015). Collection method: clinical testing. Allele origin: germline.
Comment: For these reasons, this variant has been classified as Pathogenic. ClinVar contains an entry for this variant (Variation ID: 212584). This variant has not been reported in the literature in individuals affected with VPS13B-related conditions. This variant is not present in population databases (gnomAD no frequency). This sequence change creates a premature translational stop signal (p.Trp2997*) in the VPS13B gene. It is expected to result in an absent or disrupted protein product. Loss-of-function variants in VPS13B are known to be pathogenic (PMID: 15141358, 16648375, 20461111).

Blueprint Genetics
Classification: Likely pathogenic for VPS13B-related disorders. Last evaluated: 2022-05-04. Review status: criteria provided, single submitter. Criteria: ACMG Guidelines, 2015. Collection method: clinical testing. Allele origin: germline. Affected: yes. Observed: 3 variant alleles.

Genetic Services Laboratory, University of Chicago
Classification: Pathogenic for Cohen syndrome. Last evaluated: 2015-05-26. Review status: criteria provided, single submitter. Criteria: ACMG Guidelines, 2015. Collection method: clinical testing. Allele origin: germline. Affected: yes.

Literature cited by the submitters: PubMed 15141358 (cited by Labcorp Genetics (formerly Invitae), Labcorp); PubMed 16648375 (cited by Labcorp Genetics (formerly Invitae), Labcorp); PubMed 20461111 (cited by Labcorp Genetics (formerly Invitae), Labcorp).

NM_152564.5(VPS13B):c.8915G>A (p.Trp2972Ter)

Gene: VPS13B (vacuolar protein sorting 13 homolog B; plus strand). Cytogenetic location: 8q22.2.
Variant type: single nucleotide variant.
Coding change: c.8915G>A on transcript NM_152564.5 (MANE Select); coding-DNA position 8915, G replaced by A.
Protein change: p.Trp2972Ter; replaces tryptophan 2972 with a stop codon.
Molecular consequence: nonsense.
Genome position (GRCh38, 1-based): chr8:99,820,043, G>A. VCF-style: chr8-99820043-G-A. GRCh37 (hg19) VCF-style: chr8-100832271-G-A.
Other names: c.8990G>A, p.Trp2997Ter (NM_017890.5); short protein forms W2972*, W2997*.
Identifiers: ClinVar variation 212584 (VCV000212584.11), dbSNP rs797046098, ClinGen allele CA276946.
Genomic context (GRCh38, chr8:99,820,043, plus strand): 5'-ATGTTAGAACTTTGTTGATAGAACTTCTGCCCTGGGCCCTGCTTATCAATGAATCCAAAT[G>A]GGACCTCTGGCTATTTGAAGGAGAGAAAATTGTTCTACAGGTTCCTGCTGGCAAAATTAT-3'